The following is an entry in ClinVar:

ClinVar aggregate classification (germline): Benign/Likely benign. Review status: criteria provided, multiple submitters, no conflicts (2 of 4 stars). 4 submissions from 4 submitters: Benign (3); Likely benign (1). Last evaluated 2026-02-03.

Allele frequency attached by ClinVar (database versions not stated): gnomAD exomes 0.00025 and 0.00073; ExAC 0.00100; gnomAD 0.00241 and 0.00256; TOPMed 0.00291; ESP Exome Variant Server 0.00312; 1000 Genomes Project 0.00450; 1000 Genomes Project 30x 0.00458.
gnomAD v4.1: 575 of 1,208,632 alleles (0.048%); highest among the groups gnomAD compares: African/African-American, 0.83%; 1 homozygote.

Submissions (5):

Labcorp Genetics (formerly Invitae), Labcorp
Classification: Benign. Last evaluated: 2026-02-03. Review status: criteria provided, single submitter. Criteria: Invitae Variant Classification Sherloc (09022015). Collection method: clinical testing. Allele origin: germline.

Blueprint Genetics
Classification: Likely benign. Last evaluated: 2024-11-06. Review status: criteria provided, single submitter. Criteria: ACMG Guidelines, 2015. Collection method: clinical testing. Allele origin: germline.

GeneDx
Classification: Benign. Last evaluated: 2018-04-25. Review status: criteria provided, single submitter. Criteria: GeneDx Variant Classification (06012015). Collection method: clinical testing. Allele origin: germline. Affected: yes.
Comment: This variant is considered likely benign or benign based on one or more of the following criteria: it is a conservative change, it occurs at a poorly conserved position in the protein, it is predicted to be benign by multiple in silico algorithms, and/or has population frequency not consistent with disease.

Eurofins Ntd Llc (ga)
Classification: Benign. Last evaluated: 2015-04-21. Review status: criteria provided, single submitter. Criteria: EGL Classification Definitions 2015. Collection method: clinical testing. Allele origin: germline. Observed: 1 variant allele, 1 heterozygote.

Dr. Peter K. Rogan Lab, Western University
No classification provided (evidence only). Condition: Familial cancer of breast. Review status: no classification provided. Collection method: in vitro. Allele origin: not applicable. Functional consequence: retained intron. Not counted in ClinVar's aggregate classification.

NM_002547.3(OPHN1):c.2324+10G>T

Gene: OPHN1 (oligophrenin 1; minus strand). Cytogenetic location: Xq12.
Variant type: single nucleotide variant.
Coding change: c.2324+10G>T on transcript NM_002547.3 (MANE Select); 10 bases into the intron after coding-DNA position 2324, G replaced by T.
Molecular consequence: intron variant.
Genome position (GRCh38, 1-based): chrX:68,053,635, C>A on the plus strand (G>T on the coding strand, the complement: OPHN1 is on the minus strand). VCF-style: chrX-68053635-C-A. GRCh37 (hg19) VCF-style: chrX-67273477-C-A.
Identifiers: ClinVar variation 195675 (VCV000195675.15), dbSNP rs144475530, ClinGen allele CA201890.